The following is an entry in ClinVar:

NM_020631.6(PLEKHG5):c.2428G>A (p.Gly810Ser)

Gene: PLEKHG5 (pleckstrin homology and RhoGEF domain containing G5; minus strand). Cytogenetic location: 1p36.31.
Variant type: single nucleotide variant.
Coding change: c.2428G>A on transcript NM_020631.6 (MANE Select); coding-DNA position 2428, G replaced by A.
Protein change: p.Gly810Ser; replaces glycine 810 with serine.
Molecular consequence: missense variant.
Genome position (GRCh38, 1-based): chr1:6,468,408, C>T on the plus strand (G>A on the coding strand, the complement: PLEKHG5 is on the minus strand). VCF-style: chr1-6468408-C-T. GRCh37 (hg19) VCF-style: chr1-6528468-C-T.
Other names: p.Gly810Ser; c.2428G>A (NM_020631.5); c.2539G>A, p.Gly847Ser (NM_001042663.3, NM_001265592.2); c.2428G>A, p.Gly810Ser (NM_001042664.2, NM_001042665.2, NM_001265594.3 and 1 more transcripts); c.2635G>A, p.Gly879Ser (NM_001265593.2); short protein forms G810S, G879S, G847S.
Identifiers: ClinVar variation 285567 (VCV000285567.20), dbSNP rs76625876, ClinGen allele CA561160.

ClinVar aggregate classification (germline): Benign. Review status: criteria provided, multiple submitters, no conflicts (2 of 4 stars). 6 submissions from 6 submitters: Benign (6). Last evaluated 2026-02-04.

Conditions:
Neuronopathy, distal hereditary motor, autosomal recessive 4. Also called: Autosomal recessive lower motor neuron disease with childhood onset; NEUROPATHY, DISTAL HEREDITARY MOTOR, AUTOSOMAL RECESSIVE 4. Identifiers: Orphanet 206580, MedGen C1970211, MONDO:0012608, OMIM 611067.
Charcot-Marie-Tooth disease recessive intermediate C. Also called: CHARCOT-MARIE-TOOTH NEUROPATHY, RECESSIVE INTERMEDIATE C. Identifiers: Orphanet 369867, MedGen C3809309, MONDO:0014154, OMIM 615376.

Allele frequency attached by ClinVar (database versions not stated): 1000 Genomes Project 30x 0.03873; 1000 Genomes Project 0.04014; TOPMed 0.04659; ESP Exome Variant Server 0.04794; gnomAD exomes 0.05582 and 0.06542; ExAC 0.06207.
gnomAD v4.1: 102,990 of 1,611,382 alleles (6.4%); highest among the groups gnomAD compares: Middle Eastern, 7.8%; 3,657 homozygotes.

Submissions (6):

Labcorp Genetics (formerly Invitae), Labcorp
Classification: Benign for Neuronopathy, distal hereditary motor, autosomal recessive 4; Charcot-Marie-Tooth disease recessive intermediate C. Last evaluated: 2026-02-04. Review status: criteria provided, single submitter. Criteria: Invitae Variant Classification Sherloc (09022015). Collection method: clinical testing. Allele origin: germline.

Illumina Laboratory Services, Illumina
Classification: Benign for Neuronopathy, distal hereditary motor, autosomal recessive 4. Last evaluated: 2018-01-12. Review status: criteria provided, single submitter. Criteria: ICSL Variant Classification Criteria 13 December 2019. Collection method: clinical testing. Allele origin: germline.
Comment: This variant was observed in the ICSL laboratory as part of a predisposition screen in an ostensibly healthy population. It had not been previously curated by ICSL or reported in the Human Gene Mutation Database (HGMD: prior to June 1st, 2018), and was therefore a candidate for classification through an automated scoring system. Utilizing variant allele frequency, disease prevalence and penetrance estimates, and inheritance mode, an automated score was calculated to assess if this variant is too frequent to cause the disease. Based on the score and internal cut-off values, a variant classified as benign is not then subjected to further curation. The score for this variant resulted in a classification of benign for this disease.

Mayo Clinic Laboratories, Mayo Clinic
Classification: Benign. Last evaluated: 2016-04-07. Review status: criteria provided, single submitter. Criteria: ACMG Guidelines, 2015. Collection method: clinical testing. Allele origin: germline. Observed: 301 variant alleles.

Eurofins Ntd Llc (ga)
Classification: Benign. Last evaluated: 2016-02-04. Review status: criteria provided, single submitter. Criteria: EGL Classification Definitions 2015. Collection method: clinical testing. Allele origin: germline. Observed: 13 variant alleles, 13 heterozygotes.

GeneDx
Classification: Benign. Last evaluated: 2015-03-03. Review status: criteria provided, single submitter. Criteria: GeneDx Variant Classification Process June 2021. Collection method: clinical testing. Allele origin: germline. Affected: yes.

Breakthrough Genomics
Classification: Benign. Review status: criteria provided, single submitter. Criteria: ACMG Guidelines, 2015. Collection method: not provided. Allele origin: germline. Inheritance: Autosomal recessive inheritance. Affected: yes.